The following is an entry in ClinVar:

ClinVar aggregate classification (germline): Uncertain significance (1 of 4 stars; one submission).

gnomAD v4.1: 4 of 1,612,862 alleles (0.00025%); highest among the groups gnomAD compares: East Asian, 0.0045%; no homozygotes.

Submission:

Labcorp Genetics (formerly Invitae), Labcorp
Classification: Uncertain significance. Last evaluated: 2025-12-15. Review status: criteria provided, single submitter. Criteria: Invitae Variant Classification Sherloc (09022015). Collection method: clinical testing. Allele origin: germline.
Comment: This sequence change replaces glutamine, which is neutral and polar, with arginine, which is basic and polar, at codon 659 of the GUCY2C protein (p.Gln659Arg). This variant is not present in population databases (gnomAD no frequency). This variant has not been reported in the literature in individuals affected with GUCY2C-related conditions. Invitae Evidence Modeling of protein sequence and biophysical properties (such as structural, functional, and spatial information, amino acid conservation, physicochemical variation, residue mobility, and thermodynamic stability) indicates that this missense variant is not expected to disrupt GUCY2C protein function with a negative predictive value of 80%. In summary, the available evidence is currently insufficient to determine the role of this variant in disease. Therefore, it has been classified as a Variant of Uncertain Significance.

NM_004963.4(GUCY2C):c.1976A>G (p.Gln659Arg)

Gene: GUCY2C (guanylate cyclase 2C; minus strand). Cytogenetic location: 12p12.3.
Variant type: single nucleotide variant.
Coding change: c.1976A>G on transcript NM_004963.4 (MANE Select); coding-DNA position 1976, A replaced by G.
Protein change: p.Gln659Arg; replaces glutamine 659 with arginine.
Molecular consequence: missense variant.
Genome position (GRCh38, 1-based): chr12:14,641,174, T>C on the plus strand (A>G on the coding strand, the complement: GUCY2C is on the minus strand). VCF-style: chr12-14641174-T-C. GRCh37 (hg19) VCF-style: chr12-14794108-T-C.
Other names: short protein forms Q659R.
Identifiers: ClinVar variation 4777718 (VCV004777718.1).